The following is an entry in ClinVar:

ClinVar aggregate classification (germline): Uncertain significance (1 of 4 stars; one submission).

Conditions:
Charcot-Marie-Tooth disease, type I (CMT1). Also called: Charcot-Marie-Tooth, Type 1; Charcot-Marie-Tooth disease type 1. Identifiers: Orphanet 65753, MedGen C0751036, MONDO:0019011.

Allele frequency attached by ClinVar (database versions not stated): TOPMed below 0.00001; gnomAD 0.00001.
gnomAD v4.1: 1 of 1,613,862 alleles (0.000062%); highest among the groups gnomAD compares: Non-Finnish European, 0.000085%; no homozygotes.

Submission:

Labcorp Genetics (formerly Invitae), Labcorp
Classification: Uncertain significance for Charcot-Marie-Tooth disease, type I. Last evaluated: 2025-07-22. Review status: criteria provided, single submitter. Criteria: Invitae Variant Classification Sherloc (09022015). Collection method: clinical testing. Allele origin: germline.
Comment: This sequence change replaces leucine, which is neutral and non-polar, with proline, which is neutral and non-polar, at codon 38 of the PMP22 protein (p.Leu38Pro). This variant is not present in population databases (gnomAD no frequency). This variant has not been reported in the literature in individuals affected with PMP22-related conditions. ClinVar contains an entry for this variant (Variation ID: 1358208). Invitae Evidence Modeling of protein sequence and biophysical properties (such as structural, functional, and spatial information, amino acid conservation, physicochemical variation, residue mobility, and thermodynamic stability) indicates that this missense variant is expected to disrupt PMP22 protein function with a positive predictive value of 95%. In summary, the available evidence is currently insufficient to determine the role of this variant in disease. Therefore, it has been classified as a Variant of Uncertain Significance.

NM_000304.4(PMP22):c.113T>C (p.Leu38Pro)

Gene: PMP22 (peripheral myelin protein 22; minus strand). Cytogenetic location: 17p12.
Variant type: single nucleotide variant.
Coding change: c.113T>C on transcript NM_000304.4 (MANE Select); coding-DNA position 113, T replaced by C.
Protein change: p.Leu38Pro; replaces leucine 38 with proline.
Molecular consequence: missense variant. On other transcripts: non-coding transcript variant (1).
Genome position (GRCh38, 1-based): chr17:15,259,159, A>G on the plus strand (T>C on the coding strand, the complement: PMP22 is on the minus strand). VCF-style: chr17-15259159-A-G. GRCh37 (hg19) VCF-style: chr17-15162476-A-G.
Other names: c.113T>C, p.Leu38Pro (NM_001281455.2, NM_001281456.2, NM_001330143.2 and 2 more transcripts); short protein forms L38P.
Identifiers: ClinVar variation 1358208 (VCV001358208.8), dbSNP rs1234608261, ClinGen allele CA398271050.